The following is an entry in ClinVar:

ClinVar aggregate classification (germline): Benign. Review status: criteria provided, multiple submitters, no conflicts (2 of 4 stars). 3 submissions from 3 submitters: Benign (2). 1 of the submissions does not count toward it. Last evaluated 2018-01-30.

Conditions:
TARS1-related disorder. Also called: TARS1-related condition.

Allele frequency attached by ClinVar (database versions not stated): gnomAD exomes 0.00152; ExAC 0.00174; gnomAD 0.00622 and 0.00653; TOPMed 0.00666; ESP Exome Variant Server 0.00700; 1000 Genomes Project 0.00799; 1000 Genomes Project 30x 0.00937.

Submissions (3):

Labcorp Genetics (formerly Invitae), Labcorp
Classification: Benign. Last evaluated: 2018-01-30. Review status: criteria provided, single submitter. Criteria: Invitae Variant Classification Sherloc (09022015). Collection method: clinical testing. Allele origin: germline.

Breakthrough Genomics
Classification: Benign. Review status: criteria provided, single submitter. Criteria: ACMG Guidelines, 2015. Collection method: not provided. Allele origin: germline. Inheritance: Autosomal recessive inheritance. Affected: yes.

PreventionGenetics, part of Exact Sciences
Classification: Benign for TARS1-related condition. Last evaluated: 2020-01-13. Review status: no assertion criteria provided. Collection method: clinical testing. Allele origin: germline. Not counted in ClinVar's aggregate classification.
Comment: This variant is classified as benign based on ACMG/AMP sequence variant interpretation guidelines (Richards et al. 2015 PMID: 25741868, with internal and published modifications).

NM_152295.5(TARS1):c.352G>A (p.Val118Ile)

Gene: TARS1 (threonyl-tRNA synthetase 1; plus strand). Cytogenetic location: 5p13.3.
Variant type: single nucleotide variant.
Coding change: c.352G>A on transcript NM_152295.5 (MANE Select); coding-DNA position 352, G replaced by A.
Protein change: p.Val118Ile; replaces valine 118 with isoleucine.
Molecular consequence: missense variant. On other transcripts: non-coding transcript variant (2).
Genome position (GRCh38, 1-based): chr5:33,453,311, G>A. VCF-style: chr5-33453311-G-A. GRCh37 (hg19) VCF-style: chr5-33453416-G-A.
Other names: c.352G>A, p.Val118Ile (NM_001258437.1); c.451G>A, p.Val151Ile (NM_001258438.2); short protein forms V151I, V118I.
Identifiers: ClinVar variation 716827 (VCV000716827.6), dbSNP rs11541416, ClinGen allele CA3223013.